The following is an entry in ClinVar:

ClinVar aggregate classification (germline): Uncertain significance (1 of 4 stars; one submission).

Conditions:
Bailey-Bloch congenital myopathy (CMYO13). Also called: Congenital myopathy 13; Native American myopathy; STAC3 disorder. Identifiers: Orphanet 168572, MedGen C1850625, MONDO:0009722, OMIM 255995.

Submission:

Labcorp Genetics (formerly Invitae), Labcorp
Classification: Uncertain significance for Bailey-Bloch congenital myopathy. Last evaluated: 2020-07-20. Review status: criteria provided, single submitter. Criteria: Invitae Variant Classification Sherloc (09022015). Collection method: clinical testing. Allele origin: germline.
Comment: In summary, the available evidence is currently insufficient to determine the role of this variant in disease. Therefore, it has been classified as a Variant of Uncertain Significance. Algorithms developed to predict the effect of missense changes on protein structure and function are either unavailable or do not agree on the potential impact of this missense change (SIFT: "Deleterious"; PolyPhen-2: "Probably Damaging"; Align-GVGD: "Class C0"). This variant has not been reported in the literature in individuals with STAC3-related conditions. This variant is not present in population databases (ExAC no frequency). This sequence change replaces serine with asparagine at codon 153 of the STAC3 protein (p.Ser153Asn). The serine residue is highly conserved and there is a small physicochemical difference between serine and asparagine.

NM_145064.3(STAC3):c.458G>A (p.Ser153Asn)

Gene: STAC3 (SH3 and cysteine rich domain 3; minus strand). Cytogenetic location: 12q13.3.
Variant type: single nucleotide variant.
Coding change: c.458G>A on transcript NM_145064.3 (MANE Select); coding-DNA position 458, G replaced by A.
Protein change: p.Ser153Asn; replaces serine 153 with asparagine.
Molecular consequence: missense variant. On other transcripts: 5 prime UTR variant (1), non-coding transcript variant (1).
Genome position (GRCh38, 1-based): chr12:57,248,173, C>T on the plus strand (G>A on the coding strand, the complement: STAC3 is on the minus strand). VCF-style: chr12-57248173-C-T. GRCh37 (hg19) VCF-style: chr12-57641956-C-T.
Other names: c.341G>A, p.Ser114Asn (NM_001286256.2); c.-101G>A (NM_001286257.2); short protein forms S114N, S153N.
Identifiers: ClinVar variation 1040958 (VCV001040958.9), dbSNP rs2037800739, ClinGen allele CA385415435.
Genomic context (GRCh38, chr12:57,248,173, plus strand): 5'-AAAGGGCACTTACAGAGATCTTTGACACAAGCGTACTGCTGGTTGCTGTAGAGTGGGGAA[C>T]TATAGGCCCGATGGAAACCAGGTGGCTGTAGGATGGGATGAGAGGAAGCATTAGAGGTAG-3'
Protein context (NP_659501.1, residues 143-163): KIPPGFHRAY[Ser153Asn]SPLYSNQQYA